The following is an entry in ClinVar:

NC_000009.11:g.(?_338986)_(464219_?)dup

Gene: DOCK8 (dedicator of cytokinesis 8; plus strand). Cytogenetic location: 9p24.3.
Variant type: Duplication.
Identifiers: ClinVar variation 2427723 (VCV002427723.2).

ClinVar aggregate classification (germline): Uncertain significance (1 of 4 stars; one submission).

Conditions:
Combined immunodeficiency due to DOCK8 deficiency (HIES2). Also called: HIES autosomal recessive; Hyper-IgE recurrent infection syndrome, autosomal recessive; DOCK8 Deficiency; HYPER-IgE RECURRENT INFECTION SYNDROME 2, AUTOSOMAL RECESSIVE; HYPER-IgE SYNDROME 2, AUTOSOMAL RECESSIVE, WITH RECURRENT INFECTIONS. Identifiers: Orphanet 217390, MedGen C4722305, MONDO:0009478, OMIM 243700.

Submission:

Labcorp Genetics (formerly Invitae), Labcorp
Classification: Uncertain significance for Combined immunodeficiency due to DOCK8 deficiency. Last evaluated: 2022-09-27. Review status: criteria provided, single submitter. Criteria: Invitae Variant Classification Sherloc (09022015). Collection method: clinical testing. Allele origin: germline.
Comment: This variant results in a copy number gain of the genomic region encompassing exon(s) 13-48 of the DOCK8 gene. This region includes the termination codon of the gene. This copy number gain extends beyond the assayed region for this gene and therefore may encompass additional genes. As the precise location of this event is unknown, it may be in tandem or it may be located elsewhere in the genome. This variant has not been reported in the literature in individuals affected with DOCK8-related conditions. Experimental studies and prediction algorithms are not available or were not evaluated, and the functional significance of this variant is currently unknown. In summary, the available evidence is currently insufficient to determine the role of this variant in disease. Therefore, it has been classified as a Variant of Uncertain Significance.